The following is an entry in ClinVar:

NM_001005242.3(PKP2):c.1183C>T (p.Arg395Cys)

Gene: PKP2 (plakophilin 2; minus strand). Cytogenetic location: 12p11.21.
Variant type: single nucleotide variant.
Coding change: c.1183C>T on transcript NM_001005242.3 (MANE Select); coding-DNA position 1183, C replaced by T.
Protein change: p.Arg395Cys; replaces arginine 395 with cysteine.
Molecular consequence: missense variant.
Genome position (GRCh38, 1-based): chr12:32,850,961, G>A on the plus strand (C>T on the coding strand, the complement: PKP2 is on the minus strand). VCF-style: chr12-32850961-G-A. GRCh37 (hg19) VCF-style: chr12-33003895-G-A.
Other names: c.1183C>T, p.Arg395Cys (NM_004572.4); short protein forms R395C.
Identifiers: ClinVar variation 919284 (VCV000919284.10), dbSNP rs761238380, ClinGen allele CA027358.

ClinVar aggregate classification (germline): Uncertain significance. Review status: criteria provided, multiple submitters, no conflicts (2 of 4 stars). 4 submissions from 4 submitters: Uncertain significance (4). Last evaluated 2025-06-11.

Conditions:
Cardiovascular phenotype. Identifiers: MedGen CN230736.
Arrhythmogenic right ventricular cardiomyopathy (ARVD). Also called: Arrhythmogenic cardiomyopathy; Cardiomyopathy, ARVC; Arrhythmogenic right ventricular dysplasia; Arrhythmogenic Right Ventricular Cardiomyopathy (ARVC). Identifiers: Orphanet 247, MedGen C0349788, MeSH D019571, MONDO:0016587. Disease mechanism: loss of function. Inheritance: Various modes of inheritance.
Cardiomyopathy (CMYO). Also called: Cardiomyopathies. Identifiers: Orphanet 167848, MedGen C0878544, MONDO:0004994, HP:0001638. Inheritance: Various modes of inheritance.
Arrhythmogenic right ventricular dysplasia 9 (ARVD9). Also called: Arrhythmogenic Right Ventricular Dysplasia/Cardiomyopathy 9; ARRHYTHMOGENIC RIGHT VENTRICULAR DYSPLASIA, FAMILIAL, 9. Identifiers: MedGen C1836906, MONDO:0012180, OMIM 609040.

Allele frequency attached by ClinVar (database versions not stated): gnomAD exomes below 0.00001 and 0.00001; ExAC 0.00001; gnomAD 0.00002 and 0.00003.
gnomAD v4.1: 13 of 1,613,826 alleles (0.00081%); highest among the groups gnomAD compares: East Asian, 0.0067%; no homozygotes.

Submissions (4):

Labcorp Genetics (formerly Invitae), Labcorp
Classification: Uncertain significance for Arrhythmogenic right ventricular dysplasia 9. Last evaluated: 2025-06-11. Review status: criteria provided, single submitter. Criteria: Invitae Variant Classification Sherloc (09022015). Collection method: clinical testing. Allele origin: germline.
Comment: This sequence change replaces arginine, which is basic and polar, with cysteine, which is neutral and slightly polar, at codon 395 of the PKP2 protein (p.Arg395Cys). This variant is present in population databases (rs761238380, gnomAD 0.003%). This variant has not been reported in the literature in individuals affected with PKP2-related conditions. ClinVar contains an entry for this variant (Variation ID: 919284). An algorithm developed to predict the effect of missense changes on protein structure and function (PolyPhen-2) suggests that this variant is likely to be disruptive. In summary, the available evidence is currently insufficient to determine the role of this variant in disease. Therefore, it has been classified as a Variant of Uncertain Significance.

Color Diagnostics, LLC DBA Color Health
Classification: Uncertain significance for Cardiomyopathy. Last evaluated: 2025-06-09. Review status: criteria provided, single submitter. Criteria: ACMG Guidelines, 2015. Collection method: clinical testing. Allele origin: germline.
Comment: This missense variant replaces arginine with cysteine at codon 395 of the PKP2 protein. Computational prediction suggests that this variant may not impact protein structure and function. To our knowledge, functional studies have not been reported for this variant. This variant has not been reported in individuals affected with PKP2-related disorders in the literature. This variant has been identified in 1/251040 chromosomes in the general population by the Genome Aggregation Database (gnomAD). The available evidence is insufficient to determine the role of this variant in disease conclusively. Therefore, this variant is classified as a Variant of Uncertain Significance.

Ambry Genetics
Classification: Uncertain significance for Cardiovascular phenotype. Last evaluated: 2023-12-29. Review status: criteria provided, single submitter. Criteria: Ambry Variant Classification Scheme 2023. Collection method: clinical testing. Allele origin: germline.
Comment: The p.R395C variant (also known as c.1183C>T), located in coding exon 5 of the PKP2 gene, results from a C to T substitution at nucleotide position 1183. The arginine at codon 395 is replaced by cysteine, an amino acid with highly dissimilar properties. This variant has been detected in an individual undergoing genetic testing for cardiomyopathy; however, details were not provided (van Lint FHM et al. Neth Heart J. 2019 Jun;27(6):304-309). This amino acid position is not well conserved in available vertebrate species. In addition, this alteration is predicted to be tolerated by in silico analysis. Since supporting evidence is limited at this time, the clinical significance of this alteration remains unclear.

All of Us Research Program, National Institutes of Health
Classification: Uncertain significance for Arrhythmogenic right ventricular cardiomyopathy. Last evaluated: 2023-12-01. Review status: criteria provided, single submitter. Criteria: ACMG Guidelines, 2015. Collection method: clinical testing. Allele origin: germline. Inheritance: Autosomal dominant inheritance. Observed: 1 variant allele, 1 heterozygote.
Comment: This missense variant is located in the armadillo repeat 2 of the PKP2 protein. Computational prediction tools and conservation analyses are inconclusive regarding the impact of this variant on the protein function. Computational splicing tools suggest that this variant may not impact RNA splicing. To our knowledge, functional assays have not been performed for this variant nor has this variant been reported in individuals affected with cardiovascular disorders in the literature. This variant has been identified in 1/245810 chromosomes in the general population by the Genome Aggregation Database (gnomAD). Available evidence is insufficient to determine the role of this variant in disease conclusively. Therefore, this variant is classified as a Variant of Uncertain Significance.

This study involves interpretation of variants in research participants for the purpose of population health screening. Participant phenotype was not available at the time of variant classification. Additional details can be found in publication PMID: 35346344, PMCID: PMC8962531

Literature cited by the submitters: PubMed 30847666 (cited by Ambry Genetics).